The following is an entry in ClinVar:

ClinVar aggregate classification (germline): Benign/Likely benign. Review status: criteria provided, multiple submitters, no conflicts (2 of 4 stars). 8 submissions from 8 submitters: Benign (1); Likely benign (6). 1 of the submissions does not count toward it. Last evaluated 2026-01-16.

Conditions:
Osteogenesis imperfecta (OI). Identifiers: Orphanet 666, MedGen C0029434, MeSH D010013, MONDO:0019019.
Intellectual disability. Also called: intellectual disabilities; Intellectual functioning disability; Intellectual developmental disorder. Identifiers: MedGen C3714756, MeSH D008607, MONDO:0001071, HP:0001249.
MBTPS2-related disorder. Also called: MBTPS2-related condition.
Inborn genetic diseases. Identifiers: MedGen C0950123, MeSH D030342.

Allele frequency attached by ClinVar (database versions not stated): ESP Exome Variant Server 0.00028; ExAC 0.00043; gnomAD exomes 0.00044 and 0.00074; gnomAD 0.00050 and 0.00051; TOPMed 0.00054.
gnomAD v4.1: 864 of 1,199,917 alleles (0.072%); highest among the groups gnomAD compares: Non-Finnish European, 0.089%; 1 homozygote.

Submissions (8):

Labcorp Genetics (formerly Invitae), Labcorp
Classification: Benign. Last evaluated: 2026-01-16. Review status: criteria provided, single submitter. Criteria: Invitae Variant Classification Sherloc (09022015). Collection method: clinical testing. Allele origin: germline.

Women's Health and Genetics/Laboratory Corporation of America, LabCorp
Classification: Likely benign. Last evaluated: 2025-11-11. Review status: criteria provided, single submitter. Criteria: LabCorp Variant Classification Summary - May 2015. Collection method: clinical testing. Allele origin: germline.
Comment: Variant summary: MBTPS2 c.1237C>T (p.His413Tyr) results in a conservative amino acid change in the encoded protein sequence. Algorithms developed to predict the effect of missense changes on protein structure and function are either unavailable or do not agree on the potential impact of this missense change. The variant allele was found at a frequency of 0.00044 in 183114 control chromosomes including 24 hemizygotes. To our knowledge, no occurrence of c.1237C>T in individuals affected with MBTPS2-related conditions and no experimental evidence demonstrating its impact on protein function have been reported. ClinVar contains an entry for this variant (Variation ID: 1564519). Based on the evidence outlined above, the variant was classified as likely benign.

Blueprint Genetics
Classification: Likely benign. Last evaluated: 2024-05-30. Review status: criteria provided, single submitter. Criteria: ACMG Guidelines, 2015. Collection method: clinical testing. Allele origin: germline.

Ambry Genetics
Classification: Likely benign for Inborn genetic diseases. Last evaluated: 2023-05-24. Review status: criteria provided, single submitter. Criteria: Ambry Variant Classification Scheme 2023. Collection method: clinical testing. Allele origin: germline.

CeGaT Center for Human Genetics Tuebingen
Classification: Likely benign. Last evaluated: 2023-04-01. Review status: criteria provided, single submitter. Criteria: CeGaT Center For Human Genetics Tuebingen Variant Classification Criteria Version 2. Collection method: clinical testing. Allele origin: germline. Affected: yes. Observed: 1 variant allele.
Comment: MBTPS2: BS2

Genome Diagnostics Laboratory, The Hospital for Sick Children
Classification: Likely benign for Osteogenesis imperfecta. Last evaluated: 2020-06-01. Review status: criteria provided, single submitter. Criteria: ACMG Guidelines, 2015. Collection method: clinical testing. Allele origin: germline.

Cambridge Genomics Laboratory, East Genomic Laboratory Hub, NHS Genomic Medicine Service
Classification: Likely benign for Intellectual disability. Last evaluated: 2020-03-30. Review status: criteria provided, single submitter. Criteria: ACGS Best Practice Guidelines for Variant Classification in Rare Disease 2020. Collection method: clinical testing. Allele origin: germline. Affected: yes. Observed: 1 variant allele.

PreventionGenetics, part of Exact Sciences
Classification: Likely benign for MBTPS2-related condition. Last evaluated: 2021-02-15. Review status: no assertion criteria provided. Collection method: clinical testing. Allele origin: germline. Not counted in ClinVar's aggregate classification.
Comment: This variant is classified as likely benign based on ACMG/AMP sequence variant interpretation guidelines (Richards et al. 2015 PMID: 25741868, with internal and published modifications).

NM_015884.4(MBTPS2):c.1237C>T (p.His413Tyr)

Gene: MBTPS2 (membrane bound transcription factor peptidase, site 2; plus strand). Cytogenetic location: Xp22.12.
Variant type: single nucleotide variant.
Coding change: c.1237C>T on transcript NM_015884.4 (MANE Select); coding-DNA position 1237, C replaced by T.
Protein change: p.His413Tyr; replaces histidine 413 with tyrosine.
Molecular consequence: missense variant.
Genome position (GRCh38, 1-based): chrX:21,878,668, C>T. VCF-style: chrX-21878668-C-T. GRCh37 (hg19) VCF-style: chrX-21896786-C-T.
Other names: short protein forms H413Y.
Identifiers: ClinVar variation 1564519 (VCV001564519.39), dbSNP rs200298161, ClinGen allele CA10367663.